The following is an entry in ClinVar:

ClinVar aggregate classification (germline): Likely pathogenic (1 of 4 stars; one submission).

Conditions:
Hereditary cancer-predisposing syndrome. Also called: Tumor predisposition; Hereditary Cancer Syndrome; Neoplastic Syndromes, Hereditary; Hereditary neoplastic syndrome. Identifiers: Orphanet 140162, MedGen C0027672, MeSH D009386, MONDO:0015356.

Submission:

Ambry Genetics
Classification: Likely pathogenic for Hereditary cancer-predisposing syndrome. Last evaluated: 2023-01-06. Review status: criteria provided, single submitter. Criteria: Ambry Variant Classification Scheme 2023. Collection method: clinical testing. Allele origin: germline.
Comment: The c.2813+1G>C intronic variant results from a G to C substitution one nucleotide after coding exon 19 of the TSC1 gene. This nucleotide position is highly conserved in available vertebrate species. In silico splice site analysis predicts that this alteration will weaken the native splice donor site and will result in the creation or strengthening of a novel splice donor site. RNA studies have demonstrated that this alteration results in abnormal splicing in the set of samples tested (Ambry internal data). This variant is considered to be rare based on population cohorts in the Genome Aggregation Database (gnomAD). Based on the majority of available evidence to date, this variant is likely to be pathogenic.

NM_000368.5(TSC1):c.2813+1G>C

Gene: TSC1 (TSC complex subunit 1; minus strand). Cytogenetic location: 9q34.13.
Variant type: single nucleotide variant.
Coding change: c.2813+1G>C on transcript NM_000368.5 (MANE Select); the canonical splice donor site of the intron after coding-DNA position 2813, G replaced by C.
Molecular consequence: splice donor variant.
Genome position (GRCh38, 1-based): chr9:132,897,422, C>G on the plus strand (G>C on the coding strand, the complement: TSC1 is on the minus strand). VCF-style: chr9-132897422-C-G. GRCh37 (hg19) VCF-style: chr9-135772809-C-G.
Other names: c.2447+1G>C (NM_001406620.1, NM_001406621.1, NM_001406622.1 and 1 more transcripts); c.2450+1G>C (NM_001406618.1, NM_001406617.1, NM_001406619.1 and 4 more transcripts); c.2405+1G>C (NM_001406625.1); c.2615+1G>C (NM_001406613.1); c.2657+1G>C (NM_001406612.1, NM_001406611.1); c.2660+1G>C (NM_001406610.1, NM_001162427.2); c.1859+1G>C (NM_001406627.1, NM_001406628.1); c.1760+1G>C (NM_001406629.1, NM_001406630.1); and 8 more.
Identifiers: ClinVar variation 1796347 (VCV001796347.3), dbSNP rs1845135625, ClinGen allele CA375368975.